The following is an entry in ClinVar:

NM_152383.5(DIS3L2):c.52+3A>G

Gene: DIS3L2 (DIS3 like 3'-5' exoribonuclease 2; plus strand). Cytogenetic location: 2q37.1.
Variant type: single nucleotide variant.
Coding change: c.52+3A>G on transcript NM_152383.5 (MANE Select); 3 bases into the intron after coding-DNA position 52, A replaced by G.
Molecular consequence: intron variant.
Genome position (GRCh38, 1-based): chr2:232,014,982, A>G. VCF-style: chr2-232014982-A-G. GRCh37 (hg19) VCF-style: chr2-232879692-A-G.
Other names: c.52+3A>G (NM_001257281.2, NM_001257282.2).
Identifiers: ClinVar variation 1010938 (VCV001010938.4), dbSNP rs773905464, ClinGen allele CA1335076862.

ClinVar aggregate classification (germline): Uncertain significance (1 of 4 stars; one submission).

Conditions:
Perlman syndrome (PRLMNS). Identifiers: Orphanet 2849, MedGen C0796113, MONDO:0009965, OMIM 267000.

Submission:

Labcorp Genetics (formerly Invitae), Labcorp
Classification: Uncertain significance for Perlman syndrome. Last evaluated: 2022-09-07. Review status: criteria provided, single submitter. Criteria: Invitae Variant Classification Sherloc (09022015). Collection method: clinical testing. Allele origin: germline.
Comment: This sequence change falls in intron 2 of the DIS3L2 gene. It does not directly change the encoded amino acid sequence of the DIS3L2 protein. It affects a nucleotide within the consensus splice site. This variant is not present in population databases (gnomAD no frequency). This variant has not been reported in the literature in individuals affected with DIS3L2-related conditions. ClinVar contains an entry for this variant (Variation ID: 1010938). Variants that disrupt the consensus splice site are a relatively common cause of aberrant splicing (PMID: 17576681, 9536098). Algorithms developed to predict the effect of sequence changes on RNA splicing suggest that this variant may disrupt the consensus splice site. In summary, the available evidence is currently insufficient to determine the role of this variant in disease. Therefore, it has been classified as a Variant of Uncertain Significance.

Literature cited by the submitters: PubMed 17576681; PubMed 9536098.